The following is an entry in ClinVar:

NM_000440.3(PDE6A):c.916A>G (p.Arg306Gly)

Gene: PDE6A (phosphodiesterase 6A; minus strand). Cytogenetic location: 5q32.
Variant type: single nucleotide variant.
Coding change: c.916A>G on transcript NM_000440.3 (MANE Select); coding-DNA position 916, A replaced by G.
Protein change: p.Arg306Gly; replaces arginine 306 with glycine.
Molecular consequence: missense variant.
Genome position (GRCh38, 1-based): chr5:149,921,652, T>C on the plus strand (A>G on the coding strand, the complement: PDE6A is on the minus strand). VCF-style: chr5-149921652-T-C. GRCh37 (hg19) VCF-style: chr5-149301215-T-C.
Other names: short protein forms R306G.
Identifiers: ClinVar variation 962340 (VCV000962340.8), dbSNP rs369683948, ClinGen allele CA3504896.

ClinVar aggregate classification (germline): Uncertain significance. Review status: criteria provided, multiple submitters, no conflicts (2 of 4 stars). 4 submissions from 4 submitters: Uncertain significance (4). Last evaluated 2026-06-20.

Conditions:
Inborn genetic diseases. Identifiers: MedGen C0950123, MeSH D030342.
PDE6A-related disorder. Also called: PDE6A-related condition.

Allele frequency attached by ClinVar (database versions not stated): 1000 Genomes Project 30x 0.00016; 1000 Genomes Project 0.00020; ESP Exome Variant Server 0.00023; gnomAD 0.00027 and 0.00029; TOPMed 0.00034; gnomAD exomes 0.00002 and 0.00006; ExAC 0.00007.
gnomAD v4.1: 77 of 1,613,708 alleles (0.0048%); highest among the groups gnomAD compares: African/African-American, 0.099%; no homozygotes.

Submissions (4):

PreventionGenetics, part of Exact Sciences
Classification: Uncertain significance for PDE6A-related condition. Last evaluated: 2026-06-20. Review status: criteria provided, single submitter. Criteria: ACMG Guidelines, 2015. Collection method: clinical testing. Allele origin: germline.
Comment: The PDE6A c.916A>G variant is predicted to result in the amino acid substitution p.Arg306Gly. To our knowledge, this variant has not been reported in the literature. This variant is reported in 0.11% of alleles in individuals of African descent in gnomAD, which may be too frequent to be a primary cause of disease. Although we suspect that this variant may be benign, at this time, the clinical significance of this variant is uncertain due to the absence of conclusive functional and genetic evidence.

Ambry Genetics
Classification: Uncertain significance for Inborn genetic diseases. Last evaluated: 2025-10-15. Review status: criteria provided, single submitter. Criteria: Ambry Variant Classification Scheme 2023. Collection method: clinical testing. Allele origin: germline.

Blueprint Genetics
Classification: Uncertain significance. Last evaluated: 2024-02-26. Review status: criteria provided, single submitter. Criteria: ACMG Guidelines, 2015. Collection method: clinical testing. Allele origin: germline.

Labcorp Genetics (formerly Invitae), Labcorp
Classification: Uncertain significance. Last evaluated: 2022-10-13. Review status: criteria provided, single submitter. Criteria: Invitae Variant Classification Sherloc (09022015). Collection method: clinical testing. Allele origin: germline.
Comment: This sequence change replaces arginine, which is basic and polar, with glycine, which is neutral and non-polar, at codon 306 of the PDE6A protein (p.Arg306Gly). This variant is present in population databases (rs369683948, gnomAD 0.1%). This variant has not been reported in the literature in individuals affected with PDE6A-related conditions. ClinVar contains an entry for this variant (Variation ID: 962340). Algorithms developed to predict the effect of missense changes on protein structure and function (SIFT, PolyPhen-2, Align-GVGD) all suggest that this variant is likely to be tolerated. In summary, the available evidence is currently insufficient to determine the role of this variant in disease. Therefore, it has been classified as a Variant of Uncertain Significance.